The following is an entry in ClinVar:

NM_020318.3(PAPPA2):c.1039G>A (p.Val347Met)

Gene: PAPPA2 (pappalysin 2; plus strand). Cytogenetic location: 1q25.2.
Variant type: single nucleotide variant.
Coding change: c.1039G>A on transcript NM_020318.3 (MANE Select); coding-DNA position 1039, G replaced by A.
Protein change: p.Val347Met; replaces valine 347 with methionine.
Molecular consequence: missense variant.
Genome position (GRCh38, 1-based): chr1:176,594,643, G>A. VCF-style: chr1-176594643-G-A. GRCh37 (hg19) VCF-style: chr1-176563779-G-A.
Other names: c.1039G>A, p.Val347Met (NM_021936.3); short protein forms V347M.
Identifiers: ClinVar variation 2639579 (VCV002639579.25), dbSNP rs138546816, ClinGen allele CA1257232.

ClinVar aggregate classification (germline): Benign/Likely benign. Review status: criteria provided, multiple submitters, no conflicts (2 of 4 stars). 2 submissions from 2 submitters: Benign (1); Likely benign (1). Last evaluated 2026-06-04.

Allele frequency attached by ClinVar (database versions not stated): 1000 Genomes Project 30x 0.00265; 1000 Genomes Project 0.00280; TOPMed 0.00332; gnomAD 0.00357; ESP Exome Variant Server 0.00379; ExAC 0.00438.
gnomAD v4.1: 7,801 of 1,614,214 alleles (0.48%); highest among the groups gnomAD compares: South Asian, 0.81%; 27 homozygotes.

Submissions (2):

Women's Health and Genetics/Laboratory Corporation of America, LabCorp
Classification: Benign. Last evaluated: 2026-06-04. Review status: criteria provided, single submitter. Criteria: LabCorp Variant Classification Summary - May 2015. Collection method: clinical testing. Allele origin: germline.
Comment: Variant summary: PAPPA2 c.1039G>A (p.Val347Met) results in a conservative amino acid change in the encoded protein sequence. Algorithms developed to predict the effect of missense changes on protein structure and function all suggest that this variant is likely to be tolerated. The variant allele was found at a frequency of 0.0043 in 249570 control chromosomes in the gnomAD database, including 6 homozygotes. The observed variant frequency exceeds the estimated maximal expected allele frequency for disease-causing variants in PAPPA2. To our knowledge, no occurrence of c.1039G>A in individuals affected with PAPPA2-related conditions and no experimental evidence demonstrating its impact on protein function have been reported. ClinVar contains an entry for this variant (Variation ID: 2639579). Based on the evidence outlined above, the variant was classified as benign.

CeGaT Center for Human Genetics Tuebingen
Classification: Likely benign. Last evaluated: 2023-12-01. Review status: criteria provided, single submitter. Criteria: CeGaT Center For Human Genetics Tuebingen Variant Classification Criteria Version 2. Collection method: clinical testing. Allele origin: germline. Affected: yes. Observed: 3 variant alleles.
Comment: PAPPA2: BP4, BS2